The following is an entry in ClinVar:

NM_000352.6(ABCC8):c.579+14C>T

Gene: ABCC8 (ATP binding cassette subfamily C member 8; minus strand). Cytogenetic location: 11p15.1.
Variant type: single nucleotide variant.
Coding change: c.579+14C>T on transcript NM_000352.6 (MANE Select); 14 bases into the intron after coding-DNA position 579, C replaced by T.
Molecular consequence: intron variant.
Genome position (GRCh38, 1-based): chr11:17,463,424, G>A on the plus strand (C>T on the coding strand, the complement: ABCC8 is on the minus strand). VCF-style: chr11-17463424-G-A. GRCh37 (hg19) VCF-style: chr11-17484971-G-A.
Other names: p.?; c.579+14C>T (NM_001351297.2, NM_001351296.2, NM_001351295.2 and 2 more transcripts).
Identifiers: ClinVar variation 157707 (VCV000157707.30), dbSNP rs2301703, ClinGen allele CA171092.
Genomic context (GRCh38, chr11:17,463,424, plus strand): 5'-GGCCTGAACCCAGGGCAGGACAGAGGCCAGAGCCTCTGCTTCCCACCCCACCCTGGCCCA[G>A]GTGGCCTGCTTACCCTCACCCTGATGACATTGACCTCCACGAGGAGCAGCATCCCATAGA-3'

ClinVar aggregate classification (germline): Conflicting classifications of pathogenicity. Review status: criteria provided, conflicting classifications (1 of 4 stars). 17 submissions from 12 submitters: Uncertain significance (1); Benign (13). 3 of the submissions do not count toward it. Last evaluated 2026-02-04.

Conditions:
Diabetes mellitus, permanent neonatal 3. Also called: ABCC8-Related Permanent Neonatal Diabetes Mellitus. Identifiers: MedGen C5394303, MONDO:0030088, OMIM 618857.
Permanent neonatal diabetes mellitus (PNDM). Identifiers: Orphanet 99885, MedGen C1833104, MONDO:0100164, MONDO:0011643. Disease mechanism: gain of function.
Hyperinsulinemic hypoglycemia, familial, 1 (HHF1). Also called: Persistent hyperinsulinemic hypoglycemia of infancy; NESIDIOBLASTOSIS OF PANCREAS; Persistent Hyperinsulinemia Hypoglycemia of Infancy; HYPERINSULINISM, FAMILIAL, WITH PANCREATIC NESIDIOBLASTOSIS; HYPOGLYCEMIA, HYPERINSULINEMIC, OF INFANCY. Identifiers: Orphanet 276575, Orphanet 276598, MedGen C2931832, MONDO:0009734, OMIM 256450.
Type 2 diabetes mellitus. Also called: Type II diabetes mellitus. Identifiers: MedGen C0011860, MeSH D003924, MONDO:0005148, OMIM 125853, HP:0005978.
Diabetes mellitus, transient neonatal, 2 (TNDM2). Identifiers: Orphanet 99886, MedGen C1835887, MONDO:0012480, OMIM 610374. Disease mechanism: loss of function.
Leucine-induced hypoglycemia (LIH). Also called: LEUCINE-SENSITIVE HYPOGLYCEMIA OF INFANCY. Identifiers: MedGen C0271714, MONDO:0009415, OMIM 240800.

Allele frequency attached by ClinVar (database versions not stated): ExAC 0.46039; gnomAD 0.46493; 1000 Genomes Project 0.46745; 1000 Genomes Project 30x 0.47548; ESP Exome Variant Server 0.48699; TOPMed 0.49296; gnomAD exomes 0.38622 and 0.38936.
gnomAD v4.1: 629,427 of 1,592,216 alleles (40%); highest among the groups gnomAD compares: African/African-American, 71%; 129,616 homozygotes.

Submissions (17):

Labcorp Genetics (formerly Invitae), Labcorp
Classification: Benign. Last evaluated: 2026-02-04. Review status: criteria provided, single submitter. Criteria: Invitae Variant Classification Sherloc (09022015). Collection method: clinical testing. Allele origin: germline.

Blueprint Genetics
Classification: Benign. Last evaluated: 2024-11-27. Review status: criteria provided, single submitter. Criteria: ACMG Guidelines, 2015. Collection method: clinical testing. Allele origin: germline.

Pars Genome Lab
Classification: Benign for Leucine-induced hypoglycemia. Last evaluated: 2021-07-01. Review status: criteria provided, single submitter. Criteria: ACMG Guidelines, 2015. Collection method: clinical testing. Allele origin: germline. Affected: no.

Pars Genome Lab
Classification: Benign for Hyperinsulinemic hypoglycemia, familial, 1. Last evaluated: 2021-07-01. Review status: criteria provided, single submitter. Criteria: ACMG Guidelines, 2015. Collection method: clinical testing. Allele origin: germline. Affected: no.

Pars Genome Lab
Classification: Benign for Diabetes mellitus, transient neonatal, 2. Last evaluated: 2021-07-01. Review status: criteria provided, single submitter. Criteria: ACMG Guidelines, 2015. Collection method: clinical testing. Allele origin: germline. Affected: no.

Pars Genome Lab
Classification: Benign for Diabetes mellitus, permanent neonatal 3. Last evaluated: 2021-07-01. Review status: criteria provided, single submitter. Criteria: ACMG Guidelines, 2015. Collection method: clinical testing. Allele origin: germline. Affected: no.

Mayo Clinic Laboratories, Mayo Clinic
Classification: Benign. Last evaluated: 2021-04-07. Review status: criteria provided, single submitter. Criteria: ACMG Guidelines, 2015. Collection method: clinical testing. Allele origin: germline. Observed: 1 variant allele.

GeneDx
Classification: Benign. Last evaluated: 2018-08-09. Review status: criteria provided, single submitter. Criteria: GeneDx Variant Classification Process June 2021. Collection method: clinical testing. Allele origin: germline. Affected: yes.

Illumina Laboratory Services, Illumina
Classification: Benign for Permanent neonatal diabetes mellitus 1. Last evaluated: 2018-01-13. Review status: criteria provided, single submitter. Criteria: ICSL Variant Classification Criteria 13 December 2019. Collection method: clinical testing. Allele origin: germline.
Comment: This variant was observed in the ICSL laboratory as part of a predisposition screen in an ostensibly healthy population. It had not been previously curated by ICSL or reported in the Human Gene Mutation Database (HGMD: prior to June 1st, 2018), and was therefore a candidate for classification through an automated scoring system. Utilizing variant allele frequency, disease prevalence and penetrance estimates, and inheritance mode, an automated score was calculated to assess if this variant is too frequent to cause the disease. Based on the score and internal cut-off values, a variant classified as benign is not then subjected to further curation. The score for this variant resulted in a classification of benign for this disease.

Illumina Laboratory Services, Illumina
Classification: Benign for Diabetes mellitus, transient neonatal, 2. Last evaluated: 2018-01-13. Review status: criteria provided, single submitter. Criteria: ICSL Variant Classification Criteria 13 December 2019. Collection method: clinical testing. Allele origin: germline.
Comment: the same text as in the submission from Illumina Laboratory Services, Illumina above.

Illumina Laboratory Services, Illumina
Classification: Benign for Hyperinsulinemic hypoglycemia, familial, 1. Last evaluated: 2018-01-13. Review status: criteria provided, single submitter. Criteria: ICSL Variant Classification Criteria 13 December 2019. Collection method: clinical testing. Allele origin: germline.
Comment: the same text as in the submission from Illumina Laboratory Services, Illumina above.

Athena Diagnostics
Classification: Benign. Last evaluated: 2017-04-12. Review status: criteria provided, single submitter. Criteria: Athena Diagnostics Criteria. Collection method: clinical testing. Allele origin: germline.

Clinical Genomics, Uppaluri K&H Personalized Medicine Clinic
Classification: Uncertain significance for Type 2 diabetes mellitus. Review status: criteria provided, single submitter. Criteria: K&H Uppaluri Personalized Medicine Clinic Variant Classification & Assertion Criteria. Collection method: research. Allele origin: somatic. Inheritance: Autosomal dominant inheritance.
Comment: Mutations in ABCC8 gene are generally associated with both neonatal diabetes mellitus as well as MODY. Patients with this mutation may respond to sulfonylureas. Although, rs2301703 prevalence in Neonatal Diabetes mellitus is seen, its association with T2DM is yet to be ascertained.

PreventionGenetics, part of Exact Sciences
Classification: Benign. Review status: criteria provided, single submitter. Criteria: ACMG Guidelines, 2015. Collection method: clinical testing. Allele origin: germline.

Diagnostic Laboratory, Department of Genetics, University Medical Center Groningen
Classification: Benign. Review status: no assertion criteria provided. Collection method: clinical testing. Allele origin: germline. Affected: yes. Study: VKGL Data-share Consensus. Not counted in ClinVar's aggregate classification.

Genetic Services Laboratory, University of Chicago
Classification: Likely benign. Review status: no assertion criteria provided. Collection method: clinical testing. Allele origin: germline. Inheritance: Autosomal unknown. Not counted in ClinVar's aggregate classification.
Comment: Likely benign based on allele frequency in 1000 Genomes Project or ESP global frequency and its presence in a patient with a rare or unrelated disease phenotype. NOT Sanger confirmed

Joint Genome Diagnostic Labs from Nijmegen and Maastricht, Radboudumc and MUMC+
Classification: Benign. Review status: no assertion criteria provided. Collection method: clinical testing. Allele origin: germline. Affected: yes. Study: VKGL Data-share Consensus. Not counted in ClinVar's aggregate classification.

Literature cited by the submitters: PubMed 28757749 (cited by Clinical Genomics, Uppaluri K&H Personalized Medicine Clinic); PubMed 17823772 (cited by Clinical Genomics, Uppaluri K&H Personalized Medicine Clinic).